The following is an entry in ClinVar:

ClinVar aggregate classification (germline): Pathogenic. Review status: reviewed by expert panel (3 of 4 stars). 6 submissions from 6 submitters: Pathogenic (1). 5 of the submissions do not count toward it. Last evaluated 2025-01-10.
ClinVar aggregate classification (somatic clinical impact): Tier I - Strong. Review status: criteria provided, single submitter (1 of 4 stars). 2 submissions from 1 submitter. 1 of the submissions does not count toward it. Last evaluated 2023-03-02.

Conditions:
Noonan syndrome (NS). Also called: Noonan's syndrome. Identifiers: Orphanet 648, MedGen C0028326, MeSH D009634, MONDO:0018997. Disease mechanism: gain of function.
MAP2K1-related disorder. Also called: MAP2K1-related disorders; MAP2K1-related condition.
RASopathy. Also called: rasopathies; Noonan spectrum disorder. Identifiers: Orphanet 536391, MedGen C5555857, MONDO:0021060.
Cardiofaciocutaneous syndrome 3 (CFC3). Also called: MAP2K1-Related Cardiofaciocutaneous Syndrome. Identifiers: Orphanet 1340, MedGen C3809006, MONDO:0014113, OMIM 615279.
Spitz Melanocytoma. Identifiers: MedGen C4522245.
Metastatic melanoma. Identifiers: MedGen C0278883, MONDO:0005191.

Submissions (8):

ClinGen RASopathy Variant Curation Expert Panel
Classification: Pathogenic for RASopathy. Last evaluated: 2025-01-10. Review status: reviewed by expert panel. Criteria: ClinGen RASopathy ACMG Specifications MAP2K1 V2.3.0. Collection method: curation. Allele origin: germline. Inheritance: Autosomal dominant inheritance.
Comment: The NM_002755.4:c.370C>T variant in MAP2K1 is a missense variant predicted to cause substitution of proline by serine at amino acid 124 (p.Pro124Ser). This variant was absent from gnomAD v2.1.1 (PM2_Supporting). The computational prediction tool REVEL gives a score of 0.855, suggesting that this variant may impact the protein (PP3). The p.Pro124Ser variant is located in the MAP2K1 gene, which has been defined by the ClinGen RASopathy Expert Panel as a gene with a low rate of benign missense variants and pathogenic missense variants are common (PP2). The variant is in a location that has been defined by the ClinGen RASopathy Expert Panel to be a critical domain of MAP2K1 (AA 124-134, PM1). Furthermore, 4 different (likely) pathogenic variants at this residue (Pro124Leu, Pro124Arg, Pro124Ala, Pro124Gln) have been identified in several patients with RASopathies (PM5). This variant has been observed in at least 7 probands with a RASopathy, of which 3 were reported as a de novo occurrence with confirmed parental relationships and 1 was assumed to be de novo (PS2_VeryStrong, PS4_Moderate; PMIDs: 36777711, 32978145, GeneDx, LabCorp, ClinVar SCV000572401.6, SCV003316958.3). In vitro functional studies showed that the p.Pro124Ser variant led to ERK1/2 phosphorylation indicating that the mutant was constitutively active (PS3_Supporting; PMID: 22197931). In summary, this variant meets criteria to be classified as pathogenic for autosomal dominant RASopathy based on the ACMG/AMP criteria applied, as specified by the ClinGen RASopathy Variant Curation Expert Panel: PS2_VeryStrong, PS4_Moderate, PM1, PM5, PS3_Supporting PM2_Supporting, PP2, PP3 (Specification Version 2.3, 1/10/2025)

Institute for Genomic Medicine (IGM) Clinical Laboratory, Nationwide Children's Hospital
Classification: Tier II - Potential for Spitz Melanocytoma. Assertion type: diagnostic. Clinical significance: supports diagnosis. Last evaluated: 2025-05-14. Review status: criteria provided, single submitter. Criteria: AMP/ASCO/CAP Guidelines, 2017. Collection method: clinical testing. Allele origin: somatic. Affected: yes. Not counted in ClinVar's aggregate classification.
Comment: Variant has Tier II (potential) clinical significance as a diagnostic inclusion criterion in Spitz Melanocytoma, based on the following evidence: 1) Documented in one or more cancer databases (e.g., St. Jude Pecan, COSMIC, CIViC, OncoKB). 2) Information in the literature supports potential biologic effect of variant (PMIDs: 22197931, 29483135, 32641410). 3) Diagnostic significance based on multiple small studies (Evidence Level C; PMIDs: 22197931, 33289976, 33040161, 37565534, 40107205).

Labcorp Genetics (formerly Invitae), Labcorp
Classification: Pathogenic for RASopathy. Last evaluated: 2025-02-25. Review status: criteria provided, single submitter. Criteria: Invitae Variant Classification Sherloc (09022015). Collection method: clinical testing. Allele origin: germline. Not counted in ClinVar's aggregate classification.
Comment: This sequence change replaces proline, which is neutral and non-polar, with serine, which is neutral and polar, at codon 124 of the MAP2K1 protein (p.Pro124Ser). This variant is not present in population databases (gnomAD no frequency). This missense change has been observed in individual(s) with clinical features of MAP2K1-related conditions (PMID: 32978145, 36777711; internal data). In at least one individual the variant was observed to be de novo. ClinVar contains an entry for this variant (Variation ID: 375981). Invitae Evidence Modeling of protein sequence and biophysical properties (such as structural, functional, and spatial information, amino acid conservation, physicochemical variation, residue mobility, and thermodynamic stability) has been performed for this missense variant. However, the output from this modeling did not meet the statistical confidence thresholds required to predict the impact of this variant on MAP2K1 protein function. Experimental studies have shown that this missense change affects MAP2K1 function (PMID: 22197931, 26343583). This variant disrupts the p.Pro124 amino acid residue in MAP2K1. Other variant(s) that disrupt this residue have been determined to be pathogenic (PMID: 17366577, 27862862, 28049852; internal data). This suggests that this residue is clinically significant, and that variants that disrupt this residue are likely to be disease-causing. For these reasons, this variant has been classified as Pathogenic.

Institute for Genomic Medicine (IGM) Clinical Laboratory, Nationwide Children's Hospital
Classification: Tier I - Strong for Metastatic melanoma. Assertion type: diagnostic. Clinical significance: supports diagnosis. Last evaluated: 2023-03-02. Review status: criteria provided, single submitter. Criteria: AMP/ASCO/CAP Guidelines, 2017. Collection method: clinical testing. Allele origin: somatic. Affected: yes.
Comment: Variant has Tier I (strong) clinical significance as a diagnostic inclusion criterion in metastatic melanoma, based on the following evidence: 1) Documented in one or more cancer databases (e.g., St. Jude Pecan, COSMIC, CIViC, OncoKB). 2) Appears in one or more well-established professional guidelines (e.g., World Health Organization [WHO]; National Comprehensive Cancer Network [NCCN]) as providing diagnostic, prognostic, or therapeutic information. 3) Information in the literature supports potential biologic effect of variant (PMIDs: 22197931, 29483135). 4) Diagnostic for a specific tumor type/classification based on well-powered studies with expert-level consensus (Evidence Level B; PMIDs: 22197931, 32695793).

GeneDx
Classification: Pathogenic. Last evaluated: 2020-10-14. Review status: criteria provided, single submitter. Criteria: GeneDx Variant Classification Process June 2021. Collection method: clinical testing. Allele origin: germline. Affected: yes. Not counted in ClinVar's aggregate classification.
Comment: Not observed in large population cohorts (Lek et al., 2016); Missense variants in this gene are often considered pathogenic (Stenson et al., 2014); In silico analysis supports that this missense variant has a deleterious effect on protein structure/function; Has not been previously published as pathogenic or benign in association with a neurodevelopmental disorder to our knowledge; This variant is associated with the following publications: (PMID: 22197931, 32978145)

Blueprint Genetics
Classification: Likely pathogenic for MAP2K1-related disorders. Last evaluated: 2020-02-05. Review status: criteria provided, single submitter. Criteria: ACMG Guidelines, 2015. Collection method: clinical testing. Allele origin: germline. Affected: yes. Observed: 1 variant allele. Not counted in ClinVar's aggregate classification.

Mendelics
Classification: Likely pathogenic for Cardiofaciocutaneous syndrome 3. Last evaluated: 2019-05-28. Review status: criteria provided, single submitter. Criteria: Mendelics Assertion Criteria 2017. Collection method: clinical testing. Allele origin: unknown. Not counted in ClinVar's aggregate classification.

Service de Génétique Moléculaire, Hôpital Robert Debré
Classification: Pathogenic for Noonan syndrome. Review status: no assertion criteria provided. Collection method: clinical testing. Allele origin: unknown. Inheritance: Autosomal dominant inheritance. Affected: yes. Not counted in ClinVar's aggregate classification.

Literature cited by the submitters: PubMed 22197931 (cited by Institute for Genomic Medicine (IGM) Clinical Laboratory, Nationwide Children's Hospital and Labcorp Genetics (formerly Invitae), Labcorp); PubMed 29483135 (cited by Institute for Genomic Medicine (IGM) Clinical Laboratory, Nationwide Children's Hospital); PubMed 32641410 (cited by Institute for Genomic Medicine (IGM) Clinical Laboratory, Nationwide Children's Hospital); PubMed 33289976 (cited by Institute for Genomic Medicine (IGM) Clinical Laboratory, Nationwide Children's Hospital); PubMed 33040161 (cited by Institute for Genomic Medicine (IGM) Clinical Laboratory, Nationwide Children's Hospital); PubMed 37565534 (cited by Institute for Genomic Medicine (IGM) Clinical Laboratory, Nationwide Children's Hospital); PubMed 40107205 (cited by Institute for Genomic Medicine (IGM) Clinical Laboratory, Nationwide Children's Hospital); PubMed 32978145 (cited by Labcorp Genetics (formerly Invitae), Labcorp); PubMed 36777711 (cited by Labcorp Genetics (formerly Invitae), Labcorp); PubMed 26343583 (cited by Labcorp Genetics (formerly Invitae), Labcorp); PubMed 17366577 (cited by Labcorp Genetics (formerly Invitae), Labcorp); PubMed 27862862 (cited by Labcorp Genetics (formerly Invitae), Labcorp); PubMed 28049852 (cited by Labcorp Genetics (formerly Invitae), Labcorp); PubMed 32695793 (cited by Institute for Genomic Medicine (IGM) Clinical Laboratory, Nationwide Children's Hospital).

NM_002755.4(MAP2K1):c.370C>T (p.Pro124Ser)

Gene: MAP2K1 (mitogen-activated protein kinase kinase 1; plus strand). Cytogenetic location: 15q22.31.
Variant type: single nucleotide variant.
Coding change: c.370C>T on transcript NM_002755.4 (MANE Select); coding-DNA position 370, C replaced by T.
Protein change: p.Pro124Ser; replaces proline 124 with serine.
Molecular consequence: missense variant.
Genome position (GRCh38, 1-based): chr15:66,436,824, C>T. VCF-style: chr15-66436824-C-T. GRCh37 (hg19) VCF-style: chr15-66729162-C-T.
Other names: NM_002755.4(MAP2K1):c.370C>T; c.370C>T (NM_002755.3); short protein forms P124S.
Identifiers: ClinVar variation 375981 (VCV000375981.15), dbSNP rs1057519732, ClinGen allele CA16602456.